The following is an entry in ClinVar:

ClinVar aggregate classification (germline): Benign. Review status: criteria provided, multiple submitters, no conflicts (2 of 4 stars). 5 submissions from 5 submitters: Benign (5). Last evaluated 2026-02-01.

Conditions:
Multiple sulfatase deficiency (MSD). Also called: Multiple Sulfatase Deficiency Disease; Sulfatidosis, Juvenile, Austin Type; Mucosulfatidosis. Identifiers: Orphanet 585, MedGen C0268263, MONDO:0010088, OMIM 272200.

Allele frequency attached by ClinVar (database versions not stated): ExAC 0.00296; gnomAD 0.00720; TOPMed 0.00748; ESP Exome Variant Server 0.00800; 1000 Genomes Project 0.01218; 1000 Genomes Project 30x 0.01249.
gnomAD v4.1: 2,719 of 1,605,188 alleles (0.17%); highest among the groups gnomAD compares: African/African-American, 2.5%; 26 homozygotes.

Submissions (5):

Labcorp Genetics (formerly Invitae), Labcorp
Classification: Benign for Multiple sulfatase deficiency. Last evaluated: 2026-02-01. Review status: criteria provided, single submitter. Criteria: Invitae Variant Classification Sherloc (09022015). Collection method: clinical testing. Allele origin: germline.

Mayo Clinic Laboratories, Mayo Clinic
Classification: Benign. Last evaluated: 2018-10-24. Review status: criteria provided, single submitter. Criteria: ACMG Guidelines, 2015. Collection method: clinical testing. Allele origin: germline. Observed: 7 variant alleles.

Illumina Laboratory Services, Illumina
Classification: Benign for Multiple sulfatase deficiency. Last evaluated: 2018-01-13. Review status: criteria provided, single submitter. Criteria: ICSL Variant Classification Criteria 13 December 2019. Collection method: clinical testing. Allele origin: germline.
Comment: This variant was observed in the ICSL laboratory as part of a predisposition screen in an ostensibly healthy population. It had not been previously curated by ICSL or reported in the Human Gene Mutation Database (HGMD: prior to June 1st, 2018), and was therefore a candidate for classification through an automated scoring system. Utilizing variant allele frequency, disease prevalence and penetrance estimates, and inheritance mode, an automated score was calculated to assess if this variant is too frequent to cause the disease. Based on the score and internal cut-off values, a variant classified as benign is not then subjected to further curation. The score for this variant resulted in a classification of benign for this disease.

Breakthrough Genomics
Classification: Benign. Review status: criteria provided, single submitter. Criteria: ACMG Guidelines, 2015. Collection method: not provided. Allele origin: germline. Inheritance: Autosomal recessive inheritance. Affected: yes.

PreventionGenetics, part of Exact Sciences
Classification: Benign. Review status: criteria provided, single submitter. Criteria: ACMG Guidelines, 2015. Collection method: clinical testing. Allele origin: germline.

NM_182760.4(SUMF1):c.841-14G>A

Gene: SUMF1 (sulfatase modifying factor 1; minus strand). Cytogenetic location: 3p26.1.
Variant type: single nucleotide variant.
Coding change: c.841-14G>A on transcript NM_182760.4 (MANE Select); 14 bases into the intron before coding-DNA position 841, G replaced by A.
Molecular consequence: intron variant.
Genome position (GRCh38, 1-based): chr3:4,410,992, C>T on the plus strand (G>A on the coding strand, the complement: SUMF1 is on the minus strand). VCF-style: chr3-4410992-C-T. GRCh37 (hg19) VCF-style: chr3-4452676-C-T.
Other names: p.?; c.766-14G>A (NM_001164674.2); c.841-14G>A (NM_001164675.2).
Identifiers: ClinVar variation 263010 (VCV000263010.15), dbSNP rs9852367, ClinGen allele CA2230421.